The following is an entry in ClinVar:

NM_000136.3(FANCC):c.1131A>C (p.Glu377Asp)

Genes: AOPEP (aminopeptidase O (putative); plus strand), FANCC (FA complementation group C; minus strand). Cytogenetic location: 9q22.32.
Variant type: single nucleotide variant.
Coding change: c.1131A>C on transcript NM_000136.3 (MANE Select); coding-DNA position 1131, A replaced by C.
Protein change: p.Glu377Asp; replaces glutamic acid 377 with aspartic acid.
Molecular consequence: missense variant.
Genome position (GRCh38, 1-based): chr9:95,114,652, T>G on the plus strand (A>C on the coding strand, the complement: FANCC is on the minus strand). VCF-style: chr9-95114652-T-G. GRCh37 (hg19) VCF-style: chr9-97876934-T-G.
Other names: c.1131A>C, p.Glu377Asp (NM_001243743.2, NM_001243744.2); short protein forms E377D.
Identifiers: ClinVar variation 1313682 (VCV001313682.7), dbSNP rs2134631019, ClinGen allele CA374107951.

ClinVar aggregate classification (germline): Conflicting classifications of pathogenicity. Review status: criteria provided, conflicting classifications (1 of 4 stars). 3 submissions from 3 submitters: Uncertain significance (2); Likely benign (1). Last evaluated 2024-03-18.

Conditions:
Hereditary cancer-predisposing syndrome. Also called: Hereditary neoplastic syndrome; Neoplastic Syndromes, Hereditary; Tumor predisposition; Hereditary Cancer Syndrome. Identifiers: Orphanet 140162, MedGen C0027672, MeSH D009386, MONDO:0015356.
Fanconi anemia (FA). Also called: Fanconi's anemia. Identifiers: Orphanet 84, MedGen C0015625, MeSH D005199, MONDO:0019391.

gnomAD v4.1: 1 of 1,614,170 alleles (0.000062%); no homozygotes.

Submissions (3):

Ambry Genetics
Classification: Likely benign for Hereditary cancer-predisposing syndrome. Last evaluated: 2024-03-18. Review status: criteria provided, single submitter. Criteria: Ambry Variant Classification Scheme 2023. Collection method: clinical testing. Allele origin: germline.

Labcorp Genetics (formerly Invitae), Labcorp
Classification: Uncertain significance for Fanconi anemia. Last evaluated: 2022-09-27. Review status: criteria provided, single submitter. Criteria: Invitae Variant Classification Sherloc (09022015). Collection method: clinical testing. Allele origin: germline.
Comment: In summary, the available evidence is currently insufficient to determine the role of this variant in disease. Therefore, it has been classified as a Variant of Uncertain Significance. This sequence change replaces glutamic acid, which is acidic and polar, with aspartic acid, which is acidic and polar, at codon 377 of the FANCC protein (p.Glu377Asp). Advanced modeling of protein sequence and biophysical properties (such as structural, functional, and spatial information, amino acid conservation, physicochemical variation, residue mobility, and thermodynamic stability) performed at Invitae indicates that this missense variant is not expected to disrupt FANCC protein function. This variant is not present in population databases (gnomAD no frequency). This variant has not been reported in the literature in individuals affected with FANCC-related conditions. ClinVar contains an entry for this variant (Variation ID: 1313682).

GeneDx
Classification: Uncertain significance. Last evaluated: 2020-11-19. Review status: criteria provided, single submitter. Criteria: GeneDx Variant Classification Process June 2021. Collection method: clinical testing. Allele origin: germline. Affected: yes.
Comment: Not observed in large population cohorts (Lek et al., 2016); In silico analysis supports that this missense variant does not alter protein structure/function; Has not been previously published as pathogenic or benign to our knowledge